The following is an entry in ClinVar:

ClinVar aggregate classification (germline): Uncertain significance (1 of 4 stars; one submission).

Allele frequency attached by ClinVar (database versions not stated): gnomAD exomes below 0.00001; ExAC 0.00001.
gnomAD v4.1: 1 of 1,614,266 alleles (0.000062%); highest among the groups gnomAD compares: Middle Eastern, 0.016%; no homozygotes.

Submission:

Labcorp Genetics (formerly Invitae), Labcorp
Classification: Uncertain significance. Last evaluated: 2024-03-07. Review status: criteria provided, single submitter. Criteria: Invitae Variant Classification Sherloc (09022015). Collection method: clinical testing. Allele origin: germline.
Comment: This sequence change replaces isoleucine, which is neutral and non-polar, with methionine, which is neutral and non-polar, at codon 962 of the REST protein (p.Ile962Met). This variant is present in population databases (rs757762660, gnomAD 0.0009%). This variant has not been reported in the literature in individuals affected with REST-related conditions. ClinVar contains an entry for this variant (Variation ID: 1441341). An algorithm developed to predict the effect of missense changes on protein structure and function (PolyPhen-2) suggests that this variant is likely to be tolerated. In summary, the available evidence is currently insufficient to determine the role of this variant in disease. Therefore, it has been classified as a Variant of Uncertain Significance.

NM_005612.5(REST):c.2886A>G (p.Ile962Met)

Gene: REST (RE1 silencing transcription factor; plus strand). Cytogenetic location: 4q12.
Variant type: single nucleotide variant.
Coding change: c.2886A>G on transcript NM_005612.5 (MANE Select); coding-DNA position 2886, A replaced by G.
Protein change: p.Ile962Met; replaces isoleucine 962 with methionine.
Molecular consequence: missense variant.
Genome position (GRCh38, 1-based): chr4:56,931,744, A>G. VCF-style: chr4-56931744-A-G. GRCh37 (hg19) VCF-style: chr4-57797910-A-G.
Other names: c.2886A>G, p.Ile962Met (NM_001193508.2, NM_001363453.3); short protein forms I962M.
Identifiers: ClinVar variation 1441341 (VCV001441341.8), dbSNP rs757762660, ClinGen allele CA2932572.
Genomic context (GRCh38, chr4:56,931,744, plus strand): 5'-TATAGTTTGTGAAATGAAAATGGACACTGATCAGAACACAAGAGAGAATCTCACTGGTAT[A>G]AATTCAACAGTTGAAGAACCAGTTTCACCAATGCTTCCCCCTTCAGCAGTAGAAGAACGT-3'
Protein context (NP_005603.3, residues 952-972): DQNTRENLTG[Ile962Met]NSTVEEPVSP